The following is an entry in ClinVar:

NM_002397.5(MEF2C):c.88_94dup (p.Ala32fs)

Gene: MEF2C (myocyte enhancer factor 2C; minus strand). Cytogenetic location: 5q14.3.
Variant type: Duplication.
Coding change: c.88_94dup on transcript NM_002397.5 (MANE Select); coding-DNA positions 88 to 94, 7 bases duplicated (AAGAAGG; older notation c.88_94dupAAGAAGG).
Protein change: p.Ala32fs; shifts the reading frame from alanine 32.
Molecular consequence: frameshift variant.
Genome position (GRCh38, 1-based): chr5:88,804,762-88,804,768, CCTTCTT duplicated on the plus strand (AAGAAGG on the coding strand, the reverse complement: MEF2C is on the minus strand); duplicating any 7 consecutive bases within chr5:88,804,762-88,804,769 gives the same sequence; the c. name uses the placement nearest the transcript's 3' end. VCF-style (leftmost placement, unchanged base first): chr5-88804761-G-GCCTTCTT. GRCh37 (hg19) VCF-style: chr5-88100578-G-GCCTTCTT.
Other names: c.88_94dup, p.Ala32fs (NM_001131005.2, NM_001193347.1, NM_001193348.1 and 29 more transcripts); short protein forms A32fs.
Identifiers: ClinVar variation 4717510 (VCV004717510.1).

ClinVar aggregate classification (germline): Pathogenic (1 of 4 stars; one submission).

Conditions:
Neurodevelopmental disorder with hypotonia, stereotypic hand movements, and impaired language. Also called: Intellectual disability, autosomal dominant 20. Identifiers: Orphanet 228384, Orphanet 664410, MedGen C3150700, MONDO:0013266, OMIM 613443.

Submission:

Labcorp Genetics (formerly Invitae), Labcorp
Classification: Pathogenic for Neurodevelopmental disorder with hypotonia, stereotypic hand movements, and impaired language. Last evaluated: 2025-04-14. Review status: criteria provided, single submitter. Criteria: Invitae Variant Classification Sherloc (09022015). Collection method: clinical testing. Allele origin: germline.
Comment: This sequence change creates a premature translational stop signal (p.Ala32Glufs*5) in the MEF2C gene. It is expected to result in an absent or disrupted protein product. Loss-of-function variants in MEF2C are known to be pathogenic (PMID: 20513142). This variant is not present in population databases (gnomAD no frequency). This variant has not been reported in the literature in individuals affected with MEF2C-related conditions. For these reasons, this variant has been classified as Pathogenic.

Literature cited by the submitters: PubMed 20513142.